The following is an entry in ClinVar:

NR_002196.3(H19):n.1693G>A

Genes: H19 (H19 imprinted maternally expressed transcript; minus strand), HOTS (H19 opposite tumor suppressor; plus strand), MRPL23 (mitochondrial ribosomal protein L23; plus strand). Cytogenetic location: 11p15.5.
Variant type: single nucleotide variant.
Molecular consequence: non-coding transcript variant (on NR_002196.3). On other transcripts: intron variant (1).
Genome position: GRCh38 VCF-style: chr11-1995879-C-T. GRCh37 (hg19) VCF-style: chr11-2017109-C-T.
Other names: c.498-15662C>T (NM_001400176.1).
Identifiers: ClinVar variation 4978032 (VCV004978032.1).

ClinVar aggregate classification (germline): Likely benign (1 of 4 stars; one submission).

Conditions:
H19-related disorder. Also called: H19-related condition.

Submission:

PreventionGenetics, part of Exact Sciences
Classification: Likely benign for H19-related condition. Last evaluated: 2024-12-05. Review status: criteria provided, single submitter. Criteria: ACMG Guidelines, 2015. Collection method: clinical testing. Allele origin: germline.
Comment: This variant is classified as likely benign based on ACMG/AMP sequence variant interpretation guidelines (Richards et al. 2015 PMID: 25741868, with internal and published modifications).